The following is an entry in ClinVar:

ClinVar aggregate classification (germline): Uncertain significance (1 of 4 stars; one submission).

Conditions:
Developmental and epileptic encephalopathy 98. Identifiers: MedGen C5562017, MONDO:0030472, OMIM 619605.

gnomAD v4.1: 1 of 1,614,160 alleles (0.000062%); no homozygotes.

Submission:

Neuberg Centre For Genomic Medicine, NCGM
Classification: Uncertain significance for Developmental and epileptic encephalopathy 98. Last evaluated: 2023-06-22. Review status: criteria provided, single submitter. Criteria: ACMG Guidelines, 2015. Collection method: clinical testing. Allele origin: germline. Inheritance: Autosomal dominant inheritance. Affected: yes.
Comment: The observed missense variant c.1547C>T(p.Ser516Phe) in the ATP1A2 gene has not been reported previously as a pathogenic variant nor as a benign variant, to our knowledge. This variant is absent in the gnomAD Exomes. The amino acid Ser at position 516 is changed to a Phe changing protein sequence and it might alter its composition and physico-chemical properties. Multiple lines of computational evidence (Polyphen - Damaging, SIFT - Damaging and MutationTaster - Disease causing) predict a damaging effect on protein structure and function for this variant. The residue is conserved by GERP++ and PhyloP across 100 vertebrates. For these reasons, this variant has been classified as Uncertain Significance.

NM_000702.4(ATP1A2):c.1547C>T (p.Ser516Phe)

Gene: ATP1A2 (ATPase Na+/K+ transporting subunit alpha 2; plus strand). Cytogenetic location: 1q23.2.
Variant type: single nucleotide variant.
Coding change: c.1547C>T on transcript NM_000702.4 (MANE Select); coding-DNA position 1547, C replaced by T.
Protein change: p.Ser516Phe; replaces serine 516 with phenylalanine.
Molecular consequence: missense variant.
Genome position (GRCh38, 1-based): chr1:160,130,187, C>T. VCF-style: chr1-160130187-C-T. GRCh37 (hg19) VCF-style: chr1-160099977-C-T.
Other names: short protein forms S516F.
Identifiers: ClinVar variation 3731389 (VCV003731389.1).